The following is an entry in ClinVar:

NM_001458.5(FLNC):c.2321T>C (p.Val774Ala)

Gene: FLNC (filamin C; plus strand). Cytogenetic location: 7q32.1.
Variant type: single nucleotide variant.
Coding change: c.2321T>C on transcript NM_001458.5 (MANE Select); coding-DNA position 2321, T replaced by C.
Protein change: p.Val774Ala; replaces valine 774 with alanine.
Molecular consequence: missense variant.
Genome position (GRCh38, 1-based): chr7:128,842,630, T>C. VCF-style: chr7-128842630-T-C. GRCh37 (hg19) VCF-style: chr7-128482684-T-C.
Other names: c.2321T>C, p.Val774Ala (NM_001127487.2); short protein forms V774A.
Identifiers: ClinVar variation 1020434 (VCV001020434.7), dbSNP rs1808383222, ClinGen allele CA369191206.

ClinVar aggregate classification (germline): Uncertain significance (1 of 4 stars; one submission).

Conditions:
Hypertrophic cardiomyopathy 26. Also called: Cardiomyopathy, familial hypertrophic, 26. Identifiers: Orphanet 75249, MedGen C4310749, MONDO:0014883, OMIM 617047.
Myofibrillar myopathy 5. Also called: FILAMINOPATHY, AUTOSOMAL DOMINANT; Filaminopathy (type). Identifiers: Orphanet 171445, MedGen C1836050, MONDO:0012289, OMIM 609524.
Distal myopathy with posterior leg and anterior hand involvement. Also called: WILLIAMS DISTAL MYOPATHY. Identifiers: Orphanet 63273, MedGen C3279722, MONDO:0013550, OMIM 614065.

Submission:

Labcorp Genetics (formerly Invitae), Labcorp
Classification: Uncertain significance for Distal myopathy with posterior leg and anterior hand involvement; Myofibrillar myopathy 5; Hypertrophic cardiomyopathy 26. Last evaluated: 2023-08-27. Review status: criteria provided, single submitter. Criteria: Invitae Variant Classification Sherloc (09022015). Collection method: clinical testing. Allele origin: germline.
Comment: In summary, the available evidence is currently insufficient to determine the role of this variant in disease. Therefore, it has been classified as a Variant of Uncertain Significance. Advanced modeling of protein sequence and biophysical properties (such as structural, functional, and spatial information, amino acid conservation, physicochemical variation, residue mobility, and thermodynamic stability) has been performed at Invitae for this missense variant, however the output from this modeling did not meet the statistical confidence thresholds required to predict the impact of this variant on FLNC protein function. ClinVar contains an entry for this variant (Variation ID: 1020434). This variant has not been reported in the literature in individuals affected with FLNC-related conditions. This variant is not present in population databases (gnomAD no frequency). This sequence change replaces valine, which is neutral and non-polar, with alanine, which is neutral and non-polar, at codon 774 of the FLNC protein (p.Val774Ala).